The following is an entry in ClinVar:

NM_000397.4(CYBB):c.1328G>A (p.Trp443Ter)

Gene: CYBB (cytochrome b-245 beta chain; plus strand). Cytogenetic location: Xp11.4.
Variant type: single nucleotide variant.
Coding change: c.1328G>A on transcript NM_000397.4 (MANE Select); coding-DNA position 1328, G replaced by A.
Protein change: p.Trp443Ter; replaces tryptophan 443 with a stop codon.
Molecular consequence: nonsense.
Genome position (GRCh38, 1-based): chrX:37,806,400, G>A. VCF-style: chrX-37806400-G-A. GRCh37 (hg19) VCF-style: chrX-37665653-G-A.
Other names: short protein forms W443*.
Identifiers: ClinVar variation 2138522 (VCV002138522.5), dbSNP rs2519211018, ClinGen allele CA412978007.

ClinVar aggregate classification (germline): Pathogenic (1 of 4 stars; one submission).

Conditions:
Granulomatous disease, chronic, X-linked. Also called: GRANULOMATOUS DISEASE, CHRONIC, X-LINKED, SOMATIC MOSAIC; CYTOCHROME b-NEGATIVE GRANULOMATOUS DISEASE, CHRONIC, X-LINKED. Identifiers: Orphanet 379, MedGen C1844376, MONDO:0010600, OMIM 306400.

Submissions (2):

Labcorp Genetics (formerly Invitae), Labcorp
Classification: Pathogenic for Granulomatous disease, chronic, X-linked. Last evaluated: 2022-08-23. Review status: criteria provided, single submitter. Criteria: Invitae Variant Classification Sherloc (09022015). Collection method: clinical testing. Allele origin: germline.
Comment: For these reasons, this variant has been classified as Pathogenic. This premature translational stop signal has been observed in individual(s) with chronic granulomatous disease (PMID: 28251166). This variant is not present in population databases (gnomAD no frequency). This sequence change creates a premature translational stop signal (p.Trp443*) in the CYBB gene. It is expected to result in an absent or disrupted protein product. Loss-of-function variants in CYBB are known to be pathogenic (PMID: 9585602, 20729109).

Dr. Peter K. Rogan Lab, Western University
No classification provided (evidence only). Condition: Thyroid cancer, nonmedullary, 1. Review status: no classification provided. Collection method: in vitro. Allele origin: not applicable. Functional consequence: retained intron. Not counted in ClinVar's aggregate classification.

Literature cited by the submitters: PubMed 28251166 (cited by Labcorp Genetics (formerly Invitae), Labcorp); PubMed 9585602 (cited by Labcorp Genetics (formerly Invitae), Labcorp); PubMed 20729109 (cited by Labcorp Genetics (formerly Invitae), Labcorp).